The following is an entry in ClinVar:

ClinVar aggregate classification (germline): Uncertain significance (1 of 4 stars; one submission).

Conditions:
Myofibrillar myopathy 3 (MFM3). Also called: Muscular dystrophy, proximal, type 1A; Autosomal dominant spheroid body myopathy. Identifiers: Orphanet 266, Orphanet 268129, MedGen C3714934, MONDO:0012215, OMIM 609200.

gnomAD v4.1: 1 of 1,614,056 alleles (0.000062%); highest among the groups gnomAD compares: East Asian, 0.0022%; no homozygotes.

Submission:

Labcorp Genetics (formerly Invitae), Labcorp
Classification: Uncertain significance for Myofibrillar myopathy 3. Last evaluated: 2022-06-20. Review status: criteria provided, single submitter. Criteria: Invitae Variant Classification Sherloc (09022015). Collection method: clinical testing. Allele origin: germline.
Comment: In summary, the available evidence is currently insufficient to determine the role of this variant in disease. Therefore, it has been classified as a Variant of Uncertain Significance. Algorithms developed to predict the effect of missense changes on protein structure and function (SIFT, PolyPhen-2, Align-GVGD) all suggest that this variant is likely to be tolerated. ClinVar contains an entry for this variant (Variation ID: 1026703). This variant has not been reported in the literature in individuals affected with MYOT-related conditions. This variant is not present in population databases (gnomAD no frequency). This sequence change replaces arginine, which is basic and polar, with serine, which is neutral and polar, at codon 84 of the MYOT protein (p.Arg84Ser).

NM_006790.3(MYOT):c.252G>C (p.Arg84Ser)

Genes: MYOT (myotilin; plus strand), PKD2L2-DT (PKD2L2 divergent transcript; minus strand). Cytogenetic location: 5q31.2.
Variant type: single nucleotide variant.
Coding change: c.252G>C on transcript NM_006790.3 (MANE Select); coding-DNA position 252, G replaced by C.
Protein change: p.Arg84Ser; replaces arginine 84 with serine.
Molecular consequence: missense variant. On other transcripts: 5 prime UTR variant (1), intron variant (1).
Genome position (GRCh38, 1-based): chr5:137,870,903, G>C. VCF-style: chr5-137870903-G-C. GRCh37 (hg19) VCF-style: chr5-137206592-G-C.
Other names: c.-94G>C (NM_001300911.2); c.-197+378G>C (NM_001135940.2); short protein forms R84S.
Identifiers: ClinVar variation 1026703 (VCV001026703.9), dbSNP rs886044687, ClinGen allele CA361053305.